The following is an entry in ClinVar:

NM_024577.4(SH3TC2):c.2859T>A (p.His953Gln)

Gene: SH3TC2 (SH3 domain and tetratricopeptide repeats 2; minus strand). Cytogenetic location: 5q32.
Variant type: single nucleotide variant.
Coding change: c.2859T>A on transcript NM_024577.4 (MANE Select); coding-DNA position 2859, T replaced by A.
Protein change: p.His953Gln; replaces histidine 953 with glutamine.
Molecular consequence: missense variant.
Genome position (GRCh38, 1-based): chr5:149,026,873, A>T on the plus strand (T>A on the coding strand, the complement: SH3TC2 is on the minus strand). VCF-style: chr5-149026873-A-T. GRCh37 (hg19) VCF-style: chr5-148406436-A-T.
Other names: short protein forms H953Q.
Identifiers: ClinVar variation 2277228 (VCV002277228.5), dbSNP rs1034060043, ClinGen allele CA128983687.
Genomic context (GRCh38, chr5:149,026,873, plus strand): 5'-TCCAACACTTTTCTCTATAGCTTCCCAGCAGCATGGGACATACTTACTCTTTAGATGTCG[A>T]TGCCTTAAGCCAAACAGCAATGCCATTTCATAACAAAGAAGGCCATGGGTCAGCTGGTGT-3'
Protein context (NP_078853.2, residues 943-963): YEMALLFGLR[His953Gln]RHLKSQLQAT

ClinVar aggregate classification (germline): Uncertain significance. Review status: criteria provided, multiple submitters, no conflicts (2 of 4 stars). 2 submissions from 2 submitters: Uncertain significance (2). Last evaluated 2022-08-03.

Conditions:
Charcot-Marie-Tooth disease type 4. Also called: Charcot-Marie-Tooth, Type 4; Charcot-Marie-Tooth disease, type IV. Identifiers: Orphanet 64749, MedGen C4082197, MONDO:0018995.
Inborn genetic diseases. Identifiers: MedGen C0950123, MeSH D030342.

Allele frequency attached by ClinVar (database versions not stated): gnomAD 0.00001.
gnomAD v4.1: 2 of 1,614,072 alleles (0.00012%); highest among the groups gnomAD compares: Non-Finnish European, 0.00017%; no homozygotes.

Submissions (2):

Labcorp Genetics (formerly Invitae), Labcorp
Classification: Uncertain significance for Charcot-Marie-Tooth disease type 4. Last evaluated: 2022-08-03. Review status: criteria provided, single submitter. Criteria: Invitae Variant Classification Sherloc (09022015). Collection method: clinical testing. Allele origin: germline.
Comment: This sequence change replaces histidine, which is basic and polar, with glutamine, which is neutral and polar, at codon 953 of the SH3TC2 protein (p.His953Gln). This variant is present in population databases (no rsID available, gnomAD 0.007%). This variant has not been reported in the literature in individuals affected with SH3TC2-related conditions. Advanced modeling of protein sequence and biophysical properties (such as structural, functional, and spatial information, amino acid conservation, physicochemical variation, residue mobility, and thermodynamic stability) performed at Invitae indicates that this missense variant is not expected to disrupt SH3TC2 protein function. In summary, the available evidence is currently insufficient to determine the role of this variant in disease. Therefore, it has been classified as a Variant of Uncertain Significance.

Ambry Genetics
Classification: Uncertain significance for Inborn genetic diseases. Last evaluated: 2022-02-11. Review status: criteria provided, single submitter. Criteria: Ambry Variant Classification Scheme 2023. Collection method: clinical testing. Allele origin: germline.